The following is an entry in ClinVar:

ClinVar aggregate classification (germline): Uncertain significance (1 of 4 stars; one submission).

Submission:

Women's Health and Genetics/Laboratory Corporation of America, LabCorp
Classification: Uncertain significance. Last evaluated: 2022-02-05. Review status: criteria provided, single submitter. Criteria: LabCorp Variant Classification Summary - May 2015. Collection method: clinical testing. Allele origin: germline.
Comment: Variant summary: RERE c.1541-3_1541-1delinsAAT is located in a canonical splice-site and is predicted to affect mRNA splicing resulting in a significantly altered protein due to either exon skipping, shortening, or inclusion of intronic material. Several computational tools predict a significant impact on normal splicing: Three predict the variant abolishes the canonical 3' splice acceptor site. Two predict the variant strengthens an alternate cryptic exonic 3' acceptor site located 9 nucleotides downstream in exon 17. However, these predictions have yet to be confirmed by functional studies. The variant was absent in 281846 control chromosomes. To our knowledge, no occurrence of c.1541-3_1541-1delinsAAT in individuals affected with Neurodevelopmental Disorder With Or Without Anomalies Of The Brain, Eye, Or Heart and no experimental evidence demonstrating its impact on protein function have been reported. No clinical diagnostic laboratories have submitted clinical-significance assessments for this variant to ClinVar after 2014. Based on the evidence outlined above, the variant was classified as VUS-possibly pathogenic.

NM_001042681.2(RERE):c.1541-3_1541-1delinsAAT

Gene: RERE (arginine-glutamic acid dipeptide repeats; minus strand). Cytogenetic location: 1p36.23.
Variant type: Indel.
Coding change: c.1541-3_1541-1delinsAAT on transcript NM_001042681.2 (MANE Select); 3 bases into the intron before coding-DNA position 1541 through the canonical splice acceptor site of the intron before coding-DNA position 1541, CAG replaced by AAT.
Molecular consequence: splice acceptor variant.
Genome position (GRCh38, 1-based): chr1:8,364,256-8,364,258, CTG replaced by ATT on the plus strand (CAG replaced by AAT on the coding strand, the reverse complement: RERE is on the minus strand). VCF-style: chr1-8364256-CTG-ATT. GRCh37 (hg19) VCF-style: chr1-8424316-CTG-ATT.
Other names: c.1541-3_1541-1delinsAAT (NM_012102.4); c.-122-3_-122-1delinsAAT (NM_001042682.2).
Identifiers: ClinVar variation 1343635 (VCV001343635.1), dbSNP rs2124375445, ClinGen allele CA2573051627.